The following is an entry in ClinVar:

NM_005026.5(PIK3CD):c.1246T>C (p.Cys416Arg)

Genes: PIK3CD (phosphatidylinositol-4,5-bisphosphate 3-kinase catalytic subunit delta; plus strand), LOC126805612 (MED14-independent group 3 enhancer GRCh37_chr1:9778914-9780113; plus strand). Cytogenetic location: 1p36.22.
Variant type: single nucleotide variant.
Coding change: c.1246T>C on transcript NM_005026.5 (MANE Select); coding-DNA position 1246, T replaced by C.
Protein change: p.Cys416Arg; replaces cysteine 416 with arginine.
Molecular consequence: missense variant.
Genome position (GRCh38, 1-based): chr1:9,719,924, T>C. VCF-style: chr1-9719924-T-C. GRCh37 (hg19) VCF-style: chr1-9779982-T-C.
Other names: NM_005026.5(PIK3CD):c.1246T>C; p.Cys416Arg; c.1246T>C, p.Cys416Arg (NM_001350234.2); c.1159T>C, p.Cys387Arg (NM_001350235.1); short protein forms C416R, C387R.
Identifiers: ClinVar variation 132808 (VCV000132808.4), dbSNP rs587777390, ClinGen allele CA156210.

ClinVar aggregate classification (germline): Likely pathogenic. Review status: reviewed by expert panel (3 of 4 stars). 2 submissions from 2 submitters: Likely pathogenic (1). 1 of the submissions does not count toward it. Last evaluated 2025-12-19.

Conditions:
Immunodeficiency 14 (IMD14A). Also called: ACTIVATED PI3K-DELTA SYNDROME 1; Activated PI3K Delta Syndrome Type 1 (APDS1); p110-DELTA-ACTIVATING MUTATION CAUSING SENESCENT T CELLS, LYMPHADENOPATHY, AND IMMUNODEFICIENCY; IMMUNODEFICIENCY 14A WITH LYMPHOPROLIFERATION, AUTOSOMAL DOMINANT. Identifiers: Orphanet 397596, Orphanet 693661, MedGen C5907821, MONDO:0014222, OMIM 615513.

Submissions (2):

ClinGen Primary Immune Regulatory Disorders Variant Curation Expert Panel, ClinGen
Classification: Likely pathogenic for Immunodeficiency 14. Last evaluated: 2025-12-19. Review status: reviewed by expert panel. Criteria: ClinGen AbDef ACMG Specifications PIK3CD V1.0.0. Collection method: curation. Allele origin: germline. Inheritance: Autosomal dominant inheritance.
Comment: NM_005026.5(PIK3CD):c.1246T>C (p.Cys416Arg) is a missense variant causing substitution of cysteine by arginine at amino acid 416. This variant is absent from gnomAD v4.1.0 (PM2_supporting). At least one patient (Patient F2P2 in PMID: 24610295) with this variant had a phenotype that included otitis media and bronchiectasis (4 pts), lymphoproliferation (4 pts), lymphoma (1 pt), poor vaccine response, Increased circulating IgM level (0.5 pts), developmental delay (0.5 pts), abnormal facial shape, eczema (1 pt), and hypertrophy of lymphoid tissues in the gastrointestinal tract (1 pt), with genotyping to rule an alternative basis of disease in the PIK3R1 gene, which together are highly specific for immunodeficiency 14 (12 total points, PMID: 24610295, PP4). This variant has been identified as a de novo occurrence with confirmed parental relationships in 1 individual with immunodeficiency 14, as the patient's maternal half-sister's child was also affected and genotype positive, while the proband's mother was genotype negative in her blood (method unspecified), most likely explained by germinal mosaicism (PS2_Moderate, PMID: 24610295). The variant has been reported to segregate with immunodeficiency 14 through at least 2 affected meioses from 1 family, with the affected status of the additional family member confirmed by the reported phenotypes of elevated IgM (0.5 pts), recurrent sinopulmonary infections (4 pts), lymphadenopathy (4 pts), warts (3 pts), poor vaccine responses, elevated proportions of T1 transitional B cells (2 pts), and a low naïve CD4 cell count (13 total pts, PMID: 24610295, PP1_Moderate). The computational predictor REVEL gives a score of 0.820, which is above the ClinGen Antibody Deficiencies VCEP threshold of >0.644 and predicts a damaging effect on PIK3CD function. The computational predictor CADD gives a PHRED score of 26.9, which is above the ClinGen Antibody Deficiencies VCEP threshold of >25.3 and predicts a deleterious effect on PIK3CD function. The two predictors agree on a damaging effect (PP3). AKT hyperphosphorylation (3x compared to wt) was reported in PMID:28972011 when this variant was ectopically expressed in rat fibroblasts (PS3_Supporting). In summary, this variant meets the criteria to be classified as likely pathogenic for autosomal dominant immunodeficiency 14 based on the ACMG/AMP criteria applied, as specified by the ClinGen Antibody Deficiencies VCEP: PM2_Supporting, PS2_Moderate, PP4, PP1_Moderate, PS3_Supporting, and PP3. (VCEP specifications version 1.0.0).

OMIM
Classification: Pathogenic for IMMUNODEFICIENCY 14A WITH LYMPHOPROLIFERATION, AUTOSOMAL DOMINANT. Last evaluated: 2014-04-01. Review status: no assertion criteria provided. Collection method: literature only. Allele origin: germline. Not counted in ClinVar's aggregate classification.

Literature cited by the submitters: PubMed 28972011 (cited by ClinGen Primary Immune Regulatory Disorders Variant Curation Expert Panel, ClinGen); PubMed 24610295 (cited by OMIM).